The following is an entry in ClinVar:

NM_003647.3(DGKE):c.254_262del (p.Ala85_Cys87del)

Gene: DGKE (diacylglycerol kinase epsilon; plus strand). Cytogenetic location: 17q22.
Variant type: Deletion.
Coding change: c.254_262del on transcript NM_003647.3 (MANE Select); coding-DNA positions 254 to 262, 9 bases deleted (CCTTCTGCG; older notation c.254_262delCCTTCTGCG).
Protein change: p.Ala85_Cys87del.
Molecular consequence: inframe deletion.
Genome position (GRCh38, 1-based): chr17:56,835,049-56,835,057, CCTTCTGCG deleted; deleting any 9 consecutive bases within chr17:56,835,046-56,835,057 gives the same sequence; the c. name uses the placement nearest the transcript's 3' end. VCF-style (leftmost placement, unchanged base first): chr17-56835045-GGCGCCTTCT-G. GRCh37 (hg19) VCF-style: chr17-54912406-GGCGCCTTCT-G.
Identifiers: ClinVar variation 4280350 (VCV004280350.1).

ClinVar aggregate classification (germline): Uncertain significance (1 of 4 stars; one submission).

Conditions:
Atypical hemolytic-uremic syndrome. Identifiers: Orphanet 2134, MedGen C2931788, MONDO:0016244.

Submission:

Genomenon, Inc
Classification: Uncertain significance for Atypical hemolytic-uremic syndrome. Last evaluated: 2025-09-26. Review status: criteria provided, single submitter. Criteria: Genomenon Sequence Variant Interpretation Standards - Updated. Collection method: curation. Allele origin: germline. Affected: yes.
Comment: DGKE p.Ala85_Cys87del (c.254_262del) is an in-frame deletion that results in the deletion of multiple amino acids, from Alanine at position 85 to Cysteine at position 87. This variant has been observed in at least one proband affected with atypical hemolytic-uremic syndrome (PMID:34267444). It is absent or not present at a significant frequency in gnomAD. In conclusion, we classify DGKE p.Ala85_Cys87del (c.254_262del) as a variant of uncertain significance.

Literature cited by the submitters: PubMed 34267444.